The following is an entry in ClinVar:

ClinVar aggregate classification (germline): Likely pathogenic (1 of 4 stars; one submission).

Conditions:
Autosomal recessive limb-girdle muscular dystrophy type 2J (LGMDR10). Also called: Limb-girdle muscular dystrophy, type 2J; MUSCULAR DYSTROPHY, LIMB-GIRDLE, AUTOSOMAL RECESSIVE 10. Identifiers: Orphanet 140922, MedGen C1837342, MONDO:0012127, OMIM 608807.
Dilated cardiomyopathy 1G (CMD1G). Identifiers: Orphanet 154, MedGen C1858763, MONDO:0011400, OMIM 604145.

Submission:

Labcorp Genetics (formerly Invitae), Labcorp
Classification: Likely pathogenic for Dilated cardiomyopathy 1G; Autosomal recessive limb-girdle muscular dystrophy type 2J. Last evaluated: 2026-01-21. Review status: criteria provided, single submitter. Criteria: Invitae Variant Classification Sherloc (09022015). Collection method: clinical testing. Allele origin: germline.
Comment: This sequence change creates a premature translational stop signal (p.Trp18213*) in the TTN gene. While this is not anticipated to result in nonsense mediated decay, it is expected to create a truncated TTN protein. This variant is not present in population databases (gnomAD no frequency). This variant has not been reported in the literature in individuals affected with TTN-related conditions. This variant is located in the A band of TTN (PMID: 25589632). Truncating variants in this region are significantly overrepresented in patients affected with dilated cardiomyopathy (PMID: 25589632). Truncating variants in this region have also been reported in individuals affected with autosomal recessive centronuclear myopathy (PMID: 23975875). In summary, the currently available evidence indicates that the variant is pathogenic, but additional data are needed to prove that conclusively. Therefore, this variant has been classified as Likely Pathogenic.

Literature cited by the submitters: PubMed 25589632; PubMed 23975875.

NM_001267550.2(TTN):c.54639G>A (p.Trp18213Ter)

Genes: TTN (titin; minus strand), TTN-AS1 (TTN antisense RNA 1; plus strand). Cytogenetic location: 2q31.2.
Variant type: single nucleotide variant.
Coding change: c.54639G>A on transcript NM_001267550.2 (MANE Select); coding-DNA position 54639, G replaced by A.
Protein change: p.Trp18213Ter; replaces tryptophan 18213 with a stop codon.
Molecular consequence: nonsense.
Genome position (GRCh38, 1-based): chr2:178,604,048, C>T on the plus strand (G>A on the coding strand, the complement: TTN is on the minus strand). VCF-style: chr2-178604048-C-T. GRCh37 (hg19) VCF-style: chr2-179468775-C-T.
Other names: c.49716G>A, p.Trp16572Ter (NM_001256850.1); c.27444G>A, p.Trp9148Ter (NM_003319.4); c.46935G>A, p.Trp15645Ter (NM_133378.4); c.27819G>A, p.Trp9273Ter (NM_133432.3); c.28020G>A, p.Trp9340Ter (NM_133437.4); short protein forms W16572*, W9148*, W9273*, W18213*, W9340*, W15645*.
Identifiers: ClinVar variation 4785823 (VCV004785823.1).